The following is an entry in ClinVar:

NM_001065.4(TNFRSF1A):c.473-72G>A

Gene: TNFRSF1A (TNF receptor superfamily member 1A; minus strand). Cytogenetic location: 12p13.31.
Variant type: single nucleotide variant.
Coding change: c.473-72G>A on transcript NM_001065.4 (MANE Select); 72 bases into the intron before coding-DNA position 473, G replaced by A.
Molecular consequence: intron variant.
Genome position (GRCh38, 1-based): chr12:6,333,219, C>T on the plus strand (G>A on the coding strand, the complement: TNFRSF1A is on the minus strand). VCF-style: chr12-6333219-C-T. GRCh37 (hg19) VCF-style: chr12-6442385-C-T.
Other names: c.149-72G>A (NM_001346091.2); c.-105-72G>A (NM_001346092.2).
Identifiers: ClinVar variation 1271689 (VCV001271689.33), dbSNP rs41309816, ClinGen allele CA6405509.

ClinVar aggregate classification (germline): Benign. Review status: criteria provided, multiple submitters, no conflicts (2 of 4 stars). 3 submissions from 3 submitters: Benign (3). Last evaluated 2023-07-01.

Allele frequency attached by ClinVar (database versions not stated): 1000 Genomes Project 30x 0.00281; 1000 Genomes Project 0.00319; gnomAD exomes 0.00730; ExAC 0.00983.
gnomAD v4.1: 18,572 of 1,570,238 alleles (1.2%); highest among the groups gnomAD compares: Non-Finnish European, 1.5%; 141 homozygotes.

Submissions (3):

CeGaT Center for Human Genetics Tuebingen
Classification: Benign. Last evaluated: 2023-07-01. Review status: criteria provided, single submitter. Criteria: CeGaT Center For Human Genetics Tuebingen Variant Classification Criteria Version 2. Collection method: clinical testing. Allele origin: germline. Affected: yes. Observed: 8 variant alleles.
Comment: TNFRSF1A: BS1, BS2

GeneDx
Classification: Benign. Last evaluated: 2015-03-03. Review status: criteria provided, single submitter. Criteria: GeneDx Variant Classification Process June 2021. Collection method: clinical testing. Allele origin: germline. Affected: yes.

Breakthrough Genomics
Classification: Benign. Review status: criteria provided, single submitter. Criteria: ACMG Guidelines, 2015. Collection method: not provided. Allele origin: germline. Inheritance: Autosomal dominant inheritance. Affected: yes.